The following is an entry in ClinVar:

NM_022051.3(EGLN1):c.1174G>A (p.Asp392Asn)

Gene: EGLN1 (egl-9 family hypoxia inducible factor 1; minus strand). Cytogenetic location: 1q42.2.
Variant type: single nucleotide variant.
Coding change: c.1174G>A on transcript NM_022051.3 (MANE Select); coding-DNA position 1174, G replaced by A.
Protein change: p.Asp392Asn; replaces aspartic acid 392 with asparagine.
Molecular consequence: missense variant. On other transcripts: synonymous variant (1), intron variant (1).
Genome position (GRCh38, 1-based): chr1:231,367,611, C>T on the plus strand (G>A on the coding strand, the complement: EGLN1 is on the minus strand). VCF-style: chr1-231367611-C-T. GRCh37 (hg19) VCF-style: chr1-231503357-C-T.
Other names: c.1037G>A, p.Ter346= (NM_001377261.1); c.1149-1136G>A (NM_001377260.1); short protein forms D392N.
Identifiers: ClinVar variation 1740369 (VCV001740369.2), dbSNP rs2527219145, ClinGen allele CA345239665.

ClinVar aggregate classification (germline): Uncertain significance (1 of 4 stars; one submission).

Submission:

Ambry Genetics
Classification: Uncertain significance. Last evaluated: 2021-04-30. Review status: criteria provided, single submitter. Criteria: Ambry Variant Classification Scheme 2023. Collection method: clinical testing. Allele origin: germline.
Comment: The p.D392N variant (also known as c.1174G>A), located in coding exon 4 of the EGLN1 gene, results from a G to A substitution at nucleotide position 1174. The aspartic acid at codon 392 is replaced by asparagine, an amino acid with highly similar properties. This amino acid position is highly conserved in available vertebrate species. In addition, the in silico prediction for this alteration is inconclusive. Since supporting evidence is limited at this time, the clinical significance of this alteration remains unclear.